The following is an entry in ClinVar:

ClinVar aggregate classification (germline): Likely benign. Review status: criteria provided, multiple submitters, no conflicts (2 of 4 stars). 3 submissions from 3 submitters: Likely benign (3). Last evaluated 2025-01-07.

Conditions:
Hereditary cancer-predisposing syndrome. Also called: Hereditary Cancer Syndrome; Hereditary neoplastic syndrome; Neoplastic Syndromes, Hereditary; Tumor predisposition. Identifiers: Orphanet 140162, MedGen C0027672, MeSH D009386, MONDO:0015356.
Fanconi anemia (FA). Also called: Fanconi's anemia. Identifiers: Orphanet 84, MedGen C0015625, MeSH D005199, MONDO:0019391.

Allele frequency attached by ClinVar (database versions not stated): gnomAD exomes below 0.00001; ExAC 0.00001; ESP Exome Variant Server 0.00008.
gnomAD v4.1: 4 of 1,614,118 alleles (0.00025%); highest among the groups gnomAD compares: Non-Finnish European, 0.00034%; no homozygotes.

Submissions (3):

Labcorp Genetics (formerly Invitae), Labcorp
Classification: Likely benign for Fanconi anemia. Last evaluated: 2025-01-07. Review status: criteria provided, single submitter. Criteria: Invitae Variant Classification Sherloc (09022015). Collection method: clinical testing. Allele origin: germline.

Ambry Genetics
Classification: Likely benign for Hereditary cancer-predisposing syndrome. Last evaluated: 2020-09-03. Review status: criteria provided, single submitter. Criteria: Ambry Variant Classification Scheme 2023. Collection method: clinical testing. Allele origin: germline.

GeneDx
Classification: Likely benign. Last evaluated: 2016-05-18. Review status: criteria provided, single submitter. Criteria: GeneDx Variant Classification (06012015). Collection method: clinical testing. Allele origin: germline. Affected: yes.
Comment: This variant is considered likely benign or benign based on one or more of the following criteria: it is a conservative change, it occurs at a poorly conserved position in the protein, it is predicted to be benign by multiple in silico algorithms, and/or has population frequency not consistent with disease.

NM_000136.3(FANCC):c.6T>C (p.Ala2=)

Gene: FANCC (FA complementation group C; minus strand). Cytogenetic location: 9q22.32.
Variant type: single nucleotide variant.
Coding change: c.6T>C on transcript NM_000136.3 (MANE Select); coding-DNA position 6, T replaced by C.
Protein change: p.Ala2=; no amino-acid change (alanine 2 retained).
Molecular consequence: synonymous variant.
Genome position (GRCh38, 1-based): chr9:95,249,286, A>G on the plus strand (T>C on the coding strand, the complement: FANCC is on the minus strand). VCF-style: chr9-95249286-A-G. GRCh37 (hg19) VCF-style: chr9-98011568-A-G.
Other names: c.6T>C, p.Ala2= (NM_001243743.2, NM_001243744.2).
Identifiers: ClinVar variation 386410 (VCV000386410.13), dbSNP rs376084231, ClinGen allele CA5137853.